The following is an entry in ClinVar:

NM_001127173.3(CADM3):c.141G>A (p.Val47=)

Gene: CADM3 (cell adhesion molecule 3; plus strand). Cytogenetic location: 1q23.2.
Variant type: single nucleotide variant.
Coding change: c.141G>A on transcript NM_001127173.3 (MANE Select); coding-DNA position 141, G replaced by A.
Protein change: p.Val47=; no amino-acid change (valine 47 retained).
Molecular consequence: synonymous variant.
Genome position (GRCh38, 1-based): chr1:159,191,988, G>A. VCF-style: chr1-159191988-G-A. GRCh37 (hg19) VCF-style: chr1-159161778-G-A.
Other names: c.141G>A, p.Val47= (NM_001346510.2); c.243G>A, p.Val81= (NM_021189.5).
Identifiers: ClinVar variation 4533692 (VCV004533692.6).

ClinVar aggregate classification (germline): Likely benign (1 of 4 stars; one submission).

gnomAD v4.1: 80 of 1,613,942 alleles (0.005%); highest among the groups gnomAD compares: Non-Finnish European, 0.0065%; no homozygotes.

Submission:

CeGaT Center for Human Genetics Tuebingen
Classification: Likely benign. Last evaluated: 2025-11-01. Review status: criteria provided, single submitter. Criteria: CeGaT Center For Human Genetics Tuebingen Variant Classification Criteria Version 2. Collection method: clinical testing. Allele origin: germline. Affected: yes. Observed: 1 variant allele.
Comment: CADM3: BP4, BP7